The following is an entry in ClinVar:

NM_000381.4(MID1):c.44A>C (p.Glu15Ala)

Gene: MID1 (midline 1; minus strand). Cytogenetic location: Xp22.2.
Variant type: single nucleotide variant.
Coding change: c.44A>C on transcript NM_000381.4 (MANE Select); coding-DNA position 44, A replaced by C.
Protein change: p.Glu15Ala; replaces glutamic acid 15 with alanine.
Molecular consequence: missense variant.
Genome position (GRCh38, 1-based): chrX:10,567,504, T>G on the plus strand (A>C on the coding strand, the complement: MID1 is on the minus strand). VCF-style: chrX-10567504-T-G. GRCh37 (hg19) VCF-style: chrX-10535544-T-G.
Other names: c.44A>C, p.Glu15Ala (NM_001098624.2, NM_001193277.1, NM_001193278.1 and 5 more transcripts); short protein forms E15A.
Identifiers: ClinVar variation 3899742 (VCV003899742.1).

ClinVar aggregate classification (germline): Uncertain significance (1 of 4 stars; one submission).

Submission:

GeneDx
Classification: Uncertain significance. Last evaluated: 2024-11-18. Review status: criteria provided, single submitter. Criteria: GeneDx Variant Classification Process June 2021. Collection method: clinical testing. Allele origin: germline. Affected: yes.
Comment: Not observed at significant frequency in large population cohorts (gnomAD); In silico analysis supports that this missense variant has a deleterious effect on protein structure/function; Has not been previously published as pathogenic or benign to our knowledge